The following is an entry in ClinVar:

ClinVar aggregate classification (germline): not provided (0 of 4 stars; one submission).

Allele frequency attached by ClinVar (database versions not stated): gnomAD 0.00001; TOPMed below 0.00001.
gnomAD v4.1: 7 of 1,424,380 alleles (0.00049%); highest among the groups gnomAD compares: Non-Finnish European, 0.00069%; no homozygotes.

Submission:

ITMI
No classification provided. Condition: AllHighlyPenetrant. Last evaluated: 2013-09-19. Review status: no classification provided. Collection method: reference population. Allele origin: germline.
Comment: Please see associated publication for description of ethnicities

Literature cited by the submitters: PubMed 24728327.

NM_003073.5(SMARCB1):c.500+114A>G

Gene: SMARCB1 (SWI/SNF related, matrix associated, actin dependent regulator of chromatin, subfamily b, member 1; plus strand). Cytogenetic location: 22q11.23.
Variant type: single nucleotide variant.
Coding change: c.500+114A>G on transcript NM_003073.5 (MANE Select); 114 bases into the intron after coding-DNA position 500, A replaced by G.
Molecular consequence: intron variant.
Genome position (GRCh38, 1-based): chr22:23,801,195, A>G. VCF-style: chr22-23801195-A-G. GRCh37 (hg19) VCF-style: chr22-24143382-A-G.
Other names: c.554+60A>G (NM_001362877.2); c.527+60A>G (NM_001317946.2); c.473+114A>G (NM_001007468.3).
Identifiers: ClinVar variation 133390 (VCV000133390.1), dbSNP rs587777975, ClinGen allele CA156482.